The following is an entry in ClinVar:

NM_004415.4(DSP):c.253G>A (p.Ala85Thr)

Gene: DSP (desmoplakin; plus strand). Cytogenetic location: 6p24.3.
Variant type: single nucleotide variant.
Coding change: c.253G>A on transcript NM_004415.4 (MANE Select); coding-DNA position 253, G replaced by A.
Protein change: p.Ala85Thr; replaces alanine 85 with threonine.
Molecular consequence: missense variant.
Genome position (GRCh38, 1-based): chr6:7,555,800, G>A. VCF-style: chr6-7555800-G-A. GRCh37 (hg19) VCF-style: chr6-7556033-G-A.
Other names: c.253G>A, p.Ala85Thr (NM_001008844.3, NM_001319034.2, NM_001406591.1); short protein forms A85T.
Identifiers: ClinVar variation 3074262 (VCV003074262.2), dbSNP rs761506842, ClinGen allele CA033788.

ClinVar aggregate classification (germline): Uncertain significance. Review status: criteria provided, multiple submitters, no conflicts (2 of 4 stars). 2 submissions from 2 submitters: Uncertain significance (2). Last evaluated 2025-08-26.

Conditions:
Cardiomyopathy (CMYO). Also called: Cardiomyopathies. Identifiers: Orphanet 167848, MedGen C0878544, MONDO:0004994, HP:0001638. Inheritance: Various modes of inheritance.
Arrhythmogenic cardiomyopathy with wooly hair and keratoderma. Also called: PALMOPLANTAR KERATODERMA WITH LEFT VENTRICULAR CARDIOMYOPATHY AND WOOLLY HAIR; Carvajal syndrome; Dilated cardiomyopathy with woolly hair and keratoderma; Arrhythmogenic cardiomyopathy with woolly hair and keratoderma. Identifiers: Orphanet 65282, MedGen C1854063, MONDO:0011581, OMIM 605676.

Allele frequency attached by ClinVar (database versions not stated): gnomAD exomes below 0.00001; ExAC 0.00001.
gnomAD v4.1: 2 of 1,614,164 alleles (0.00012%); highest among the groups gnomAD compares: East Asian, 0.0045%; no homozygotes.

Submissions (2):

Color Diagnostics, LLC DBA Color Health
Classification: Uncertain significance for Cardiomyopathy. Last evaluated: 2025-08-26. Review status: criteria provided, single submitter. Criteria: ACMG Guidelines, 2015. Collection method: clinical testing. Allele origin: germline.
Comment: This missense variant replaces alanine with threonine at codon 85 of the DSP protein. Computational prediction suggests that this variant may not impact protein structure and function. To our knowledge, functional studies have not been reported for this variant. This variant has not been reported in individuals affected with DSP-related disorders in the literature. This variant has been identified in 2/251140 chromosomes in the general population by the Genome Aggregation Database (gnomAD). The available evidence is insufficient to determine the role of this variant in disease conclusively. Therefore, this variant is classified as a Variant of Uncertain Significance.

All of Us Research Program, National Institutes of Health
Classification: Uncertain significance for Arrhythmogenic cardiomyopathy with wooly hair and keratoderma. Last evaluated: 2023-12-01. Review status: criteria provided, single submitter. Criteria: ACMG Guidelines, 2015. Collection method: clinical testing. Allele origin: germline. Inheritance: Autosomal dominant inheritance. Observed: 1 variant allele, 1 heterozygote.
Comment: This study involves interpretation of variants in research participants for the purpose of population health screening. Participant phenotype was not available at the time of variant classification. Additional details can be found in publication PMID: 35346344, PMCID: PMC8962531